The following is an entry in ClinVar:

NM_004260.4(RECQL4):c.2422G>A (p.Asp808Asn)

Gene: RECQL4 (RecQ like helicase 4; minus strand). Cytogenetic location: 8q24.3.
Variant type: single nucleotide variant.
Coding change: c.2422G>A on transcript NM_004260.4 (MANE Select); coding-DNA position 2422, G replaced by A.
Protein change: p.Asp808Asn; replaces aspartic acid 808 with asparagine.
Molecular consequence: missense variant.
Genome position (GRCh38, 1-based): chr8:144,513,259, C>T on the plus strand (G>A on the coding strand, the complement: RECQL4 is on the minus strand). VCF-style: chr8-144513259-C-T. GRCh37 (hg19) VCF-style: chr8-145738642-C-T.
Other names: c.2422G>A (NM_004260.3); short protein forms D808N.
Identifiers: ClinVar variation 1468725 (VCV001468725.7), dbSNP rs1423500226, ClinGen allele CA372678106.

ClinVar aggregate classification (germline): Uncertain significance. Review status: criteria provided, multiple submitters, no conflicts (2 of 4 stars). 2 submissions from 2 submitters: Uncertain significance (2). Last evaluated 2023-07-16.

Conditions:
Baller-Gerold syndrome (BGS). Also called: CRANIOSYNOSTOSIS WITH RADIAL DEFECTS. Identifiers: Orphanet 1225, MedGen C0265308, MONDO:0009039, OMIM 218600.
Rothmund-Thomson syndrome type 2 (RTS2). Identifiers: Orphanet 221016, MedGen C5203410, MONDO:0016369, OMIM 268400.

Allele frequency attached by ClinVar (database versions not stated): gnomAD exomes below 0.00001; TOPMed below 0.00001.

Submissions (2):

Labcorp Genetics (formerly Invitae), Labcorp
Classification: Uncertain significance for Baller-Gerold syndrome. Last evaluated: 2023-07-16. Review status: criteria provided, single submitter. Criteria: Invitae Variant Classification Sherloc (09022015). Collection method: clinical testing. Allele origin: germline.
Comment: In summary, the available evidence is currently insufficient to determine the role of this variant in disease. Therefore, it has been classified as a Variant of Uncertain Significance. Advanced modeling of protein sequence and biophysical properties (such as structural, functional, and spatial information, amino acid conservation, physicochemical variation, residue mobility, and thermodynamic stability) performed at Invitae indicates that this missense variant is expected to disrupt RECQL4 protein function. ClinVar contains an entry for this variant (Variation ID: 1468725). This variant has not been reported in the literature in individuals affected with RECQL4-related conditions. This variant is present in population databases (no rsID available, gnomAD no frequency). This sequence change replaces aspartic acid, which is acidic and polar, with asparagine, which is neutral and polar, at codon 808 of the RECQL4 protein (p.Asp808Asn).

St. Jude Molecular Pathology, St. Jude Children's Research Hospital
Classification: Uncertain significance for Rothmund-Thomson syndrome type 2. Last evaluated: 2023-01-09. Review status: criteria provided, single submitter. Criteria: St. Jude Assertion Criteria 2020. Collection method: clinical testing. Allele origin: germline.
Comment: The RECQL4 c.2422G>A (p.Asp808Asn) missense change has a maximum subpopulation frequency of 0.018% in gnomAD v2.1.1. In silico tools are inconclusive about a pathogenic or benign effect of this variant on protein function, and to our knowledge functional studies have not been performed. To our knowledge, this variant has not been reported in individuals with RECQL4-associated conditions. In summary, the evidence currently available is insufficient to determine the clinical significance of this variant. It has therefore been classified as of uncertain significance.